The following is an entry in ClinVar:

ClinVar aggregate classification (germline): Uncertain significance (1 of 4 stars; one submission).

Conditions:
Inborn genetic diseases. Identifiers: MedGen C0950123, MeSH D030342.

Submission:

Ambry Genetics
Classification: Uncertain significance for Inborn genetic diseases. Last evaluated: 2026-05-14. Review status: criteria provided, single submitter. Criteria: Ambry Variant Classification Scheme 2023. Collection method: clinical testing. Allele origin: germline.
Comment: The p.L1020F variant (also known as c.3060A>T), located in coding exon 1 of the SAMD9L gene, results from an A to T substitution at nucleotide position 3060. The leucine at codon 1020 is replaced by phenylalanine, an amino acid with highly similar properties. This amino acid position is conserved. In addition, this alteration is predicted to be tolerated by in silico analysis. Based on the available evidence, the clinical significance of this variant remains unclear.

NM_152703.5(SAMD9L):c.3060A>T (p.Leu1020Phe)

Gene: SAMD9L (sterile alpha motif domain containing 9 like; minus strand). Cytogenetic location: 7q21.2.
Variant type: single nucleotide variant.
Coding change: c.3060A>T on transcript NM_152703.5 (MANE Select); coding-DNA position 3060, A replaced by T.
Protein change: p.Leu1020Phe; replaces leucine 1020 with phenylalanine.
Molecular consequence: missense variant.
Genome position (GRCh38, 1-based): chr7:93,132,912, T>A on the plus strand (A>T on the coding strand, the complement: SAMD9L is on the minus strand). VCF-style: chr7-93132912-T-A. GRCh37 (hg19) VCF-style: chr7-92762225-T-A.
Other names: c.3060A>T, p.Leu1020Phe (NM_001303496.3, NM_001303497.3, NM_001303498.3 and 5 more transcripts); short protein forms L1020F.
Identifiers: ClinVar variation 4864000 (VCV004864000.1).